The following is an entry in ClinVar:

ClinVar aggregate classification (germline): Uncertain significance (1 of 4 stars; one submission).

gnomAD v4.1: 25 of 1,614,056 alleles (0.0015%); highest among the groups gnomAD compares: East Asian, 0.0045%; no homozygotes.

Submission:

Labcorp Genetics (formerly Invitae), Labcorp
Classification: Uncertain significance. Last evaluated: 2025-11-03. Review status: criteria provided, single submitter. Criteria: Invitae Variant Classification Sherloc (09022015). Collection method: clinical testing. Allele origin: germline.
Comment: This sequence change replaces threonine, which is neutral and polar, with methionine, which is neutral and non-polar, at codon 116 of the FLNB protein (p.Thr116Met). This variant is present in population databases (rs201165196, gnomAD 0.01%). This variant has not been reported in the literature in individuals affected with FLNB-related conditions. ClinVar contains an entry for this variant (Variation ID: 3713078). Invitae Evidence Modeling of protein sequence and biophysical properties (such as structural, functional, and spatial information, amino acid conservation, physicochemical variation, residue mobility, and thermodynamic stability) indicates that this missense variant is not expected to disrupt FLNB protein function with a negative predictive value of 95%. In summary, the available evidence is currently insufficient to determine the role of this variant in disease. Therefore, it has been classified as a Variant of Uncertain Significance.

NM_001457.4(FLNB):c.347C>T (p.Thr116Met)

Gene: FLNB (filamin B; plus strand). Cytogenetic location: 3p14.3.
Variant type: single nucleotide variant.
Coding change: c.347C>T on transcript NM_001457.4 (MANE Select); coding-DNA position 347, C replaced by T.
Protein change: p.Thr116Met; replaces threonine 116 with methionine.
Molecular consequence: missense variant.
Genome position (GRCh38, 1-based): chr3:58,077,100, C>T. VCF-style: chr3-58077100-C-T. GRCh37 (hg19) VCF-style: chr3-58062827-C-T.
Other names: c.347C>T, p.Thr116Met (NM_001164317.2, NM_001164318.2, NM_001164319.2); short protein forms T116M.
Identifiers: ClinVar variation 3713078 (VCV003713078.2).